The following is an entry in ClinVar:

ClinVar aggregate classification (germline): Benign/Likely benign. Review status: criteria provided, multiple submitters, no conflicts (2 of 4 stars). 6 submissions from 6 submitters: Benign (3); Likely benign (1). 2 of the submissions do not count toward it. Last evaluated 2026-01-26.

Conditions:
Autosomal recessive congenital ichthyosis 1 (LI1). Also called: ICHTHYOSIS, CONGENITAL, AUTOSOMAL RECESSIVE 1, WITH OR WITHOUT BATHING SUIT DISTRIBUTION; ICHTHYOSIS, CONGENITAL, AUTOSOMAL RECESSIVE 1, WITH BATHING SUIT DISTRIBUTION; COLLODION FETUS; DESQUAMATION OF NEWBORN; ICHTHYOSIS CONGENITA; ICHTHYOSIS CONGENITA II. Identifiers: MedGen C4551630, MONDO:0009441, OMIM 242300.
TGM1-related disorder. Also called: TGM1-related condition.

Allele frequency attached by ClinVar (database versions not stated): gnomAD 0.00392 and 0.00421; gnomAD exomes 0.00096; ExAC 0.00115; 1000 Genomes Project 0.00260; 1000 Genomes Project 30x 0.00281; ESP Exome Variant Server 0.00408; TOPMed 0.00453.
gnomAD v4.1: 1,186 of 1,614,116 alleles (0.073%); highest among the groups gnomAD compares: African/African-American, 1.4%; 14 homozygotes.

Submissions (6):

Labcorp Genetics (formerly Invitae), Labcorp
Classification: Benign. Last evaluated: 2026-01-26. Review status: criteria provided, single submitter. Criteria: Invitae Variant Classification Sherloc (09022015). Collection method: clinical testing. Allele origin: germline.

Illumina Laboratory Services, Illumina
Classification: Likely benign for Autosomal recessive congenital ichthyosis 1. Last evaluated: 2018-01-13. Review status: criteria provided, single submitter. Criteria: ICSL Variant Classification Criteria 13 December 2019. Collection method: clinical testing. Allele origin: germline.
Comment: This variant was observed in the ICSL laboratory as part of a predisposition screen in an ostensibly healthy population. It had not been previously curated by ICSL or reported in the Human Gene Mutation Database (HGMD: prior to June 1st, 2018), and was therefore a candidate for classification through an automated scoring system. Utilizing variant allele frequency, disease prevalence and penetrance estimates, and inheritance mode, an automated score was calculated to assess if this variant is too frequent to cause the disease. Based on the score and internal cut-off values, a variant classified as likely benign is not then subjected to further curation. The score for this variant resulted in a classification of likely benign for this disease.

GeneDx
Classification: Benign. Last evaluated: 2015-03-03. Review status: criteria provided, single submitter. Criteria: GeneDx Variant Classification Process June 2021. Collection method: clinical testing. Allele origin: germline. Affected: yes.

Genome-Nilou Lab
Classification: Benign for Autosomal recessive congenital ichthyosis 1. Review status: criteria provided, single submitter. Criteria: ACMG Guidelines, 2015. Collection method: clinical testing. Allele origin: germline.

Natera, Inc.
Classification: Benign for Autosomal recessive congenital ichthyosis type 1. Last evaluated: 2020-04-17. Review status: no assertion criteria provided. Collection method: clinical testing. Allele origin: germline. Not counted in ClinVar's aggregate classification.

PreventionGenetics, part of Exact Sciences
Classification: Benign for TGM1-related condition. Last evaluated: 2019-08-01. Review status: no assertion criteria provided. Collection method: clinical testing. Allele origin: germline. Not counted in ClinVar's aggregate classification.
Comment: This variant is classified as benign based on ACMG/AMP sequence variant interpretation guidelines (Richards et al. 2015 PMID: 25741868, with internal and published modifications).

NM_000359.3(TGM1):c.1113C>T (p.Ser371=)

Gene: TGM1 (transglutaminase 1; minus strand). Cytogenetic location: 14q12.
Variant type: single nucleotide variant.
Coding change: c.1113C>T on transcript NM_000359.3 (MANE Select); coding-DNA position 1113, C replaced by T.
Protein change: p.Ser371=; no amino-acid change (serine 371 retained).
Molecular consequence: synonymous variant.
Genome position (GRCh38, 1-based): chr14:24,259,121, G>A on the plus strand (C>T on the coding strand, the complement: TGM1 is on the minus strand). VCF-style: chr14-24259121-G-A. GRCh37 (hg19) VCF-style: chr14-24728327-G-A.
Identifiers: ClinVar variation 312981 (VCV000312981.22), dbSNP rs61747601, ClinGen allele CA7131189.